The following is an entry in ClinVar:

NM_003801.4(GPAA1):c.907C>G (p.His303Asp)

Gene: GPAA1 (glycosylphosphatidylinositol anchor attachment 1; plus strand). Cytogenetic location: 8q24.3.
Variant type: single nucleotide variant.
Coding change: c.907C>G on transcript NM_003801.4 (MANE Select); coding-DNA position 907, C replaced by G.
Protein change: p.His303Asp; replaces histidine 303 with aspartic acid.
Molecular consequence: missense variant.
Genome position (GRCh38, 1-based): chr8:144,084,506, C>G. VCF-style: chr8-144084506-C-G. GRCh37 (hg19) VCF-style: chr8-145139409-C-G.
Other names: short protein forms H303D.
Identifiers: ClinVar variation 1414199 (VCV001414199.4), dbSNP rs200864475, ClinGen allele CA4932969.
Genomic context (GRCh38, chr8:144,084,506, plus strand): 5'-CCGCTGCAGGGCCTGCAGACACTGCTGCTCATGGTTCTGCGGCAGGCCTCCGGCCGCCCC[C>G]ACGGCTCCCATGGCCTCTTCCTGCGCTACCGTGTGGAGGCCCTAACCCTGCGTGGCATCA-3'
Protein context (NP_003792.1, residues 293-313): MVLRQASGRP[His303Asp]GSHGLFLRYR

ClinVar aggregate classification (germline): Uncertain significance. Review status: criteria provided, multiple submitters, no conflicts (2 of 4 stars). 2 submissions from 2 submitters: Uncertain significance (2). Last evaluated 2024-05-27.

Allele frequency attached by ClinVar (database versions not stated): ExAC 0.00005; gnomAD 0.00009; 1000 Genomes Project 30x 0.00016; 1000 Genomes Project 0.00020.

Submissions (2):

Blueprint Genetics
Classification: Uncertain significance. Last evaluated: 2024-05-27. Review status: criteria provided, single submitter. Criteria: ACMG Guidelines, 2015. Collection method: clinical testing. Allele origin: germline.

Labcorp Genetics (formerly Invitae), Labcorp
Classification: Uncertain significance. Last evaluated: 2022-06-28. Review status: criteria provided, single submitter. Criteria: Invitae Variant Classification Sherloc (09022015). Collection method: clinical testing. Allele origin: germline.
Comment: This sequence change replaces histidine, which is basic and polar, with aspartic acid, which is acidic and polar, at codon 303 of the GPAA1 protein (p.His303Asp). This variant is present in population databases (rs200864475, gnomAD 0.02%). This variant has not been reported in the literature in individuals affected with GPAA1-related conditions. Algorithms developed to predict the effect of missense changes on protein structure and function are either unavailable or do not agree on the potential impact of this missense change (SIFT: "Tolerated"; PolyPhen-2: "Possibly Damaging"; Align-GVGD: "Class C0"). In summary, the available evidence is currently insufficient to determine the role of this variant in disease. Therefore, it has been classified as a Variant of Uncertain Significance.